The following is an entry in ClinVar:

ClinVar aggregate classification (germline): Pathogenic (1 of 4 stars; one submission).

Conditions:
Spondyloepiphyseal dysplasia with congenital joint dislocations (SEDCJD). Also called: Chondrodysplasia with Congenital Joint Dislocations, CHST3-Related. Identifiers: Orphanet 263463, MedGen C1837657, MONDO:0007738, OMIM 143095.

Submission:

Labcorp Genetics (formerly Invitae), Labcorp
Classification: Pathogenic for Spondyloepiphyseal dysplasia with congenital joint dislocations. Last evaluated: 2025-09-24. Review status: criteria provided, single submitter. Criteria: Invitae Variant Classification Sherloc (09022015). Collection method: clinical testing. Allele origin: germline.
Comment: This sequence change creates a premature translational stop signal (p.Glu268*) in the CHST3 gene. While this is not anticipated to result in nonsense mediated decay, it is expected to disrupt the last 212 amino acid(s) of the CHST3 protein. This variant is not present in population databases (gnomAD no frequency). This premature translational stop signal has been observed in individual(s) with spondyloepiphyseal dysplasia (PMID: 26572954). It has also been observed to segregate with disease in related individuals. For these reasons, this variant has been classified as Pathogenic.

Literature cited by the submitters: PubMed 26572954.

NM_004273.5(CHST3):c.802G>T (p.Glu268Ter)

Gene: CHST3 (carbohydrate sulfotransferase 3; plus strand). Cytogenetic location: 10q22.1.
Variant type: single nucleotide variant.
Coding change: c.802G>T on transcript NM_004273.5 (MANE Select); coding-DNA position 802, G replaced by T.
Protein change: p.Glu268Ter; replaces glutamic acid 268 with a stop codon.
Molecular consequence: nonsense.
Genome position (GRCh38, 1-based): chr10:72,007,833, G>T. VCF-style: chr10-72007833-G-T. GRCh37 (hg19) VCF-style: chr10-73767591-G-T.
Other names: c.802G>T, p.Glu268Ter (NM_001441201.1, NM_001441202.1); short protein forms E268*.
Identifiers: ClinVar variation 4709735 (VCV004709735.1).